The following is an entry in ClinVar:

NM_000827.4(GRIA1):c.2385+848G>T

Gene: GRIA1 (glutamate ionotropic receptor AMPA type subunit 1; plus strand). Cytogenetic location: 5q33.2.
Variant type: single nucleotide variant.
Coding change: c.2385+848G>T on transcript NM_000827.4 (MANE Select); 848 bases into the intron after coding-DNA position 2385, G replaced by T.
Molecular consequence: intron variant. On other transcripts: missense variant (5), non-coding transcript variant (1).
Genome position (GRCh38, 1-based): chr5:153,795,583, G>T. VCF-style: chr5-153795583-G-T. GRCh37 (hg19) VCF-style: chr5-153175143-G-T.
Other names: c.2378G>T, p.Gly793Val (NM_001114183.2); c.2093G>T, p.Gly698Val (NM_001258020.2); c.2408G>T, p.Gly803Val (NM_001258022.2); c.2405G>T, p.Gly802Val (NM_001364166.2); c.2171G>T, p.Gly724Val (NM_001364167.2); c.2217+848G>T (NM_001364165.2); c.2145+848G>T (NM_001258019.2); c.2178+848G>T (NM_001258023.1); and 1 more; short protein forms G698V, G793V, G724V, G802V, G803V.
Identifiers: ClinVar variation 5009210 (VCV005009210.1).
Genomic context (GRCh38, chr5:153,795,583, plus strand): 5'-TAGACAAGCTGAAAAGCAAATGGTGGTACGATAAAGGGGAATGTGGAAGCAAGGACTCCG[G>T]AAGTAAGGTCAGTCACCGGCTACAGAGGTCACGCACACCTGTAACAAAAATGCACAGTGT-3'

ClinVar aggregate classification (germline): Uncertain significance (1 of 4 stars; one submission).

Submission:

GeneDx
Classification: Uncertain significance. Last evaluated: 2026-03-21. Review status: criteria provided, single submitter. Criteria: GeneDx Variant Classification Process June 2021. Collection method: clinical testing. Allele origin: germline.
Comment: Not observed at significant frequency in large population cohorts (gnomAD); In silico analysis suggests that this missense variant does not alter protein structure/function; Has not been previously published as pathogenic or benign to our knowledge